The following is an entry in ClinVar:

ClinVar aggregate classification (germline): Conflicting classifications of pathogenicity. Review status: criteria provided, conflicting classifications (1 of 4 stars). 7 submissions from 7 submitters: Uncertain significance (4); Likely benign (3). Last evaluated 2026-01-11.

Conditions:
Hereditary cancer-predisposing syndrome. Also called: Neoplastic Syndromes, Hereditary; Hereditary Cancer Syndrome; Hereditary neoplastic syndrome; Tumor predisposition. Identifiers: Orphanet 140162, MedGen C0027672, MeSH D009386, MONDO:0015356.
Fanconi anemia complementation group O. Also called: RAD51C-Related Fanconi Anemia. Identifiers: Orphanet 84, MedGen C3150653, MONDO:0013248, OMIM 613390.
Breast-ovarian cancer, familial, susceptibility to, 3. Also called: RAD51C-Related Breast/Ovarian Cancer. Identifiers: Orphanet 145, MedGen C3150659, MONDO:0013253, OMIM 613399.

Allele frequency attached by ClinVar (database versions not stated): gnomAD exomes below 0.00001 and 0.00002; ExAC 0.00001; TOPMed 0.00002.

Submissions (7):

Labcorp Genetics (formerly Invitae), Labcorp
Classification: Uncertain significance for Fanconi anemia complementation group O. Last evaluated: 2026-01-11. Review status: criteria provided, single submitter. Criteria: Invitae Variant Classification Sherloc (09022015). Collection method: clinical testing. Allele origin: germline.
Comment: This sequence change replaces leucine, which is neutral and non-polar, with tryptophan, which is neutral and slightly polar, at codon 323 of the RAD51C protein (p.Leu323Trp). This variant is not present in population databases (gnomAD no frequency). This missense change has been observed in individual(s) with endometrial cancer (PMID: 27443514). ClinVar contains an entry for this variant (Variation ID: 141835). An algorithm developed to predict the effect of missense changes on protein structure and function (PolyPhen-2) suggests that this variant is likely to be tolerated. Experimental studies have shown that this missense change does not substantially affect RAD51C function (PMID: 37253112). In summary, the available evidence is currently insufficient to determine the role of this variant in disease. Therefore, it has been classified as a Variant of Uncertain Significance.

Color Diagnostics, LLC DBA Color Health
Classification: Likely benign for Hereditary cancer-predisposing syndrome. Last evaluated: 2025-09-12. Review status: criteria provided, single submitter. Criteria: ACMG Guidelines, 2015. Collection method: clinical testing. Allele origin: germline.

Myriad Genetics, Inc.
Classification: Likely benign for Breast-ovarian cancer, familial, susceptibility to, 3. Last evaluated: 2025-02-19. Review status: criteria provided, single submitter. Criteria: Myriad Autosomal Dominant, Autosomal Recessive and X-Linked Classification Criteria (2023). Collection method: clinical testing. Allele origin: unknown.
Comment: This variant is considered likely benign. This variant is strongly associated with less severe personal and family histories of cancer, typical for individuals without pathogenic variants in this gene [PMID: 25085752].

GeneDx
Classification: Uncertain significance. Last evaluated: 2024-09-27. Review status: criteria provided, single submitter. Criteria: GeneDx Variant Classification Process June 2021. Collection method: clinical testing. Allele origin: germline. Affected: yes.
Comment: Not observed at significant frequency in large population cohorts (gnomAD); In silico analysis indicates that this missense variant does not alter protein structure/function; Reported in an individual with endometrial cancer in published literature (PMID: 27443514); Published functional studies demonstrate homology-directed repair activity similar to wildtype (PMID: 37253112); This variant is associated with the following publications: (PMID: 14704354, 27443514, 37253112)

Ambry Genetics
Classification: Likely benign for Hereditary cancer-predisposing syndrome. Last evaluated: 2024-07-03. Review status: criteria provided, single submitter. Criteria: Ambry Variant Classification Scheme 2023. Collection method: clinical testing. Allele origin: germline.

Baylor Genetics
Classification: Uncertain significance for Breast-ovarian cancer, familial, susceptibility to, 3. Last evaluated: 2024-02-06. Review status: criteria provided, single submitter. Criteria: ACMG Guidelines, 2015. Collection method: clinical testing. Allele origin: unknown.

Quest Diagnostics Nichols Institute San Juan Capistrano
Classification: Uncertain significance. Last evaluated: 2018-10-08. Review status: criteria provided, single submitter. Criteria: Quest Diagnostics criteria. Collection method: clinical testing. Allele origin: germline.

Literature cited by the submitters: PubMed 27443514 (cited by 3 submitters); PubMed 37253112 (cited by Labcorp Genetics (formerly Invitae), Labcorp and Ambry Genetics); PubMed 25085752 (cited by Myriad Genetics, Inc.).

NM_058216.3(RAD51C):c.968T>G (p.Leu323Trp)

Gene: RAD51C (RAD51 paralog C; plus strand). Cytogenetic location: 17q22.
Variant type: single nucleotide variant.
Coding change: c.968T>G on transcript NM_058216.3 (MANE Select); coding-DNA position 968, T replaced by G.
Protein change: p.Leu323Trp; replaces leucine 323 with tryptophan.
Molecular consequence: missense variant. On other transcripts: non-coding transcript variant (1).
Genome position (GRCh38, 1-based): chr17:58,732,486, T>G. VCF-style: chr17-58732486-T-G. GRCh37 (hg19) VCF-style: chr17-56809847-T-G.
Other names: short protein forms L323W.
Identifiers: ClinVar variation 141835 (VCV000141835.27), dbSNP rs587782045, ClinGen allele CA166555.